The following is an entry in ClinVar:

ClinVar aggregate classification (germline): Pathogenic. Review status: criteria provided, single submitter (1 of 4 stars). 2 submissions from 2 submitters: Pathogenic (1). 1 of the submissions does not count toward it. Last evaluated 2026-01-11.

Conditions:
Complement component 9 deficiency (C9D). Also called: C9 deficiency. Identifiers: MedGen C3151189, MONDO:0013445, OMIM 613825.

Allele frequency attached by ClinVar (database versions not stated): gnomAD exomes 0.00004 and 0.00005; 1000 Genomes Project 30x 0.00031; ExAC 0.00001; TOPMed 0.00003; gnomAD 0.00004.
gnomAD v4.1: 84 of 1,612,574 alleles (0.0052%); highest among the groups gnomAD compares: Non-Finnish European, 0.0064%; no homozygotes.

Submissions (2):

Labcorp Genetics (formerly Invitae), Labcorp
Classification: Pathogenic. Last evaluated: 2026-01-11. Review status: criteria provided, single submitter. Criteria: Invitae Variant Classification Sherloc (09022015). Collection method: clinical testing. Allele origin: germline.
Comment: This sequence change creates a premature translational stop signal (p.Ser427*) in the C9 gene. It is expected to result in an absent or disrupted protein product. Loss-of-function variants in C9 are known to be pathogenic (PMID: 9144525, 9570574). This variant is present in population databases (rs121909594, gnomAD 0.006%). This premature translational stop signal has been observed in individual(s) with complement C9 deficiency (PMID: 9634479). It has also been observed to segregate with disease in related individuals. This variant is also known as Ser406*. ClinVar contains an entry for this variant (Variation ID: 17043). For these reasons, this variant has been classified as Pathogenic.

OMIM
Classification: Pathogenic for C9 DEFICIENCY. Last evaluated: 1998-07-01. Review status: no assertion criteria provided. Collection method: literature only. Allele origin: germline. Not counted in ClinVar's aggregate classification.

Literature cited by the submitters: PubMed 9144525 (cited by Labcorp Genetics (formerly Invitae), Labcorp); PubMed 9570574 (cited by Labcorp Genetics (formerly Invitae), Labcorp); PubMed 9634479 (cited by Labcorp Genetics (formerly Invitae), Labcorp and OMIM).

NM_001737.5(C9):c.1280C>G (p.Ser427Ter)

Gene: C9 (complement C9; minus strand). Cytogenetic location: 5p13.1.
Variant type: single nucleotide variant.
Coding change: c.1280C>G on transcript NM_001737.5 (MANE Select); coding-DNA position 1280, C replaced by G.
Protein change: p.Ser427Ter; replaces serine 427 with a stop codon.
Molecular consequence: nonsense.
Genome position (GRCh38, 1-based): chr5:39,306,753, G>C on the plus strand (C>G on the coding strand, the complement: C9 is on the minus strand). VCF-style: chr5-39306753-G-C. GRCh37 (hg19) VCF-style: chr5-39306855-G-C.
Other names: C9, SER406TER; S406*; c.1280C>G, p.Ser427Ter (LRG_32t1); c.1280C>G (NM_001737.4); short protein forms S427*.
Identifiers: ClinVar variation 17043 (VCV000017043.11), dbSNP rs121909594, ClinGen allele CA127048.
Genomic context (GRCh38, chr5:39,306,753, plus strand): 5'-CCTCGGAGAAGCTTTTCTTTCAGTTCAAATGCATATTTTCTGGTTCCACCTCTTATGAGT[G>C]AAACAACATCATCTATGAGGTTTTCACTGGTGATGTTTACTGAGGAGAGAAGGAAGATTT-3'